The following is an entry in ClinVar:

NM_006389.5(HYOU1):c.2310G>C (p.Glu770Asp)

Gene: HYOU1 (hypoxia up-regulated 1; minus strand). Cytogenetic location: 11q23.3.
Variant type: single nucleotide variant.
Coding change: c.2310G>C on transcript NM_006389.5 (MANE Select); coding-DNA position 2310, G replaced by C.
Protein change: p.Glu770Asp; replaces glutamic acid 770 with aspartic acid.
Molecular consequence: missense variant.
Genome position (GRCh38, 1-based): chr11:119,048,314, C>G on the plus strand (G>C on the coding strand, the complement: HYOU1 is on the minus strand). VCF-style: chr11-119048314-C-G. GRCh37 (hg19) VCF-style: chr11-118919026-C-G.
Other names: c.2310G>C, p.Glu770Asp (NM_001130991.3); c.2310G>C (NM_006389.3); short protein forms E770D.
Identifiers: ClinVar variation 1499929 (VCV001499929.7), dbSNP rs373752157, ClinGen allele CA229618617.

ClinVar aggregate classification (germline): Uncertain significance. Review status: criteria provided, multiple submitters, no conflicts (2 of 4 stars). 2 submissions from 2 submitters: Uncertain significance (2). Last evaluated 2025-12-01.

Allele frequency attached by ClinVar (database versions not stated): gnomAD 0.00002; TOPMed 0.00002.
gnomAD v4.1: 7 of 1,610,784 alleles (0.00043%); highest among the groups gnomAD compares: South Asian, 0.0033%; no homozygotes.

Submissions (2):

Labcorp Genetics (formerly Invitae), Labcorp
Classification: Uncertain significance. Last evaluated: 2025-12-01. Review status: criteria provided, single submitter. Criteria: Invitae Variant Classification Sherloc (09022015). Collection method: clinical testing. Allele origin: germline.
Comment: This sequence change replaces glutamic acid, which is acidic and polar, with aspartic acid, which is acidic and polar, at codon 770 of the HYOU1 protein (p.Glu770Asp). The frequency data for this variant in the population databases is considered unreliable, as metrics indicate poor data quality at this position in the gnomAD database. This variant has not been reported in the literature in individuals affected with HYOU1-related conditions. ClinVar contains an entry for this variant (Variation ID: 1499929). An algorithm developed to predict the effect of missense changes on protein structure and function outputs the following: PolyPhen-2: "Benign". The aspartic acid amino acid residue is found in multiple mammalian species, which suggests that this missense change does not adversely affect protein function. In summary, the available evidence is currently insufficient to determine the role of this variant in disease. Therefore, it has been classified as a Variant of Uncertain Significance.

Ambry Genetics
Classification: Uncertain significance. Last evaluated: 2024-07-14. Review status: criteria provided, single submitter. Criteria: Ambry Variant Classification Scheme 2023. Collection method: clinical testing. Allele origin: germline.